The following is an entry in ClinVar:

ClinVar aggregate classification (germline): Likely benign. Review status: criteria provided, multiple submitters, no conflicts (2 of 4 stars). 2 submissions from 2 submitters: Likely benign (2). Last evaluated 2025-08-03.

Conditions:
CLRN1-related disorder. Also called: CLRN1-related condition.

gnomAD v4.1: 47 of 1,614,138 alleles (0.0029%); highest among the groups gnomAD compares: South Asian, 0.0044%; no homozygotes.

Submissions (2):

PreventionGenetics, part of Exact Sciences
Classification: Likely benign for CLRN1-related condition. Last evaluated: 2025-08-03. Review status: criteria provided, single submitter. Criteria: ACMG Guidelines, 2015. Collection method: clinical testing. Allele origin: germline.
Comment: This variant is classified as likely benign based on ACMG/AMP sequence variant interpretation guidelines (Richards et al. 2015 PMID: 25741868, with internal and published modifications).

Blueprint Genetics
Classification: Likely benign. Last evaluated: 2024-11-21. Review status: criteria provided, single submitter. Criteria: ACMG Guidelines, 2015. Collection method: clinical testing. Allele origin: germline.

NM_174878.3(CLRN1):c.254-2053G>A

Gene: CLRN1 (clarin 1; minus strand). Cytogenetic location: 3q25.1.
Variant type: single nucleotide variant.
Coding change: c.254-2053G>A on transcript NM_174878.3 (MANE Select); 2053 bases into the intron before coding-DNA position 254, G replaced by A.
Molecular consequence: intron variant.
Genome position (GRCh38, 1-based): chr3:150,943,814, C>T on the plus strand (G>A on the coding strand, the complement: CLRN1 is on the minus strand). VCF-style: chr3-150943814-C-T. GRCh37 (hg19) VCF-style: chr3-150661601-C-T.
Other names: c.25+6G>A (NM_052995.2); c.254-2053G>A (NM_001195794.1); c.425+6G>A (NM_001256819.2, NM_001256819.1).
Identifiers: ClinVar variation 4964692 (VCV004964692.2).